The following is an entry in ClinVar:

NM_002769.5(PRSS1):c.277A>T (p.Ile93Phe)

Genes: PRSS1 (serine protease 1; plus strand), TRB (T cell receptor beta locus; plus strand). Cytogenetic location: 7q34.
Variant type: single nucleotide variant.
Coding change: c.277A>T on transcript NM_002769.5 (MANE Select); coding-DNA position 277, A replaced by T.
Protein change: p.Ile93Phe; replaces isoleucine 93 with phenylalanine.
Molecular consequence: missense variant.
Genome position (GRCh38, 1-based): chr7:142,751,850, A>T. VCF-style: chr7-142751850-A-T. GRCh37 (hg19) VCF-style: chr7-142459701-A-T.
Other names: short protein forms I93F.
Identifiers: ClinVar variation 1320647 (VCV001320647.7), dbSNP rs1484477439, ClinGen allele CA369608629.

ClinVar aggregate classification (germline): Uncertain significance. Review status: criteria provided, multiple submitters, no conflicts (2 of 4 stars). 3 submissions from 3 submitters: Uncertain significance (3). Last evaluated 2025-06-21.

Conditions:
Hereditary pancreatitis (PCTT). Also called: Hereditary chronic pancreatitis; PRSS1-Related Hereditary Pancreatitis. Identifiers: Orphanet 676, MedGen C0238339, MONDO:0008185, OMIM 167800.

Allele frequency attached by ClinVar (database versions not stated): gnomAD exomes below 0.00001; TOPMed below 0.00001; gnomAD 0.00001.
gnomAD v4.1: 5 of 1,613,954 alleles (0.00031%); highest among the groups gnomAD compares: Non-Finnish European, 0.00042%; no homozygotes.

Submissions (3):

Ambry Genetics
Classification: Uncertain significance for Hereditary pancreatitis. Last evaluated: 2025-06-21. Review status: criteria provided, single submitter. Criteria: Ambry Variant Classification Scheme 2023. Collection method: clinical testing. Allele origin: germline.
Comment: The p.I93F variant (also known as c.277A>T), located in coding exon 3 of the PRSS1 gene, results from an A to T substitution at nucleotide position 277. The isoleucine at codon 93 is replaced by phenylalanine, an amino acid with highly similar properties. This amino acid position is poorly conserved in available vertebrate species. In addition, this alteration is predicted to be tolerated by in silico analysis. Since supporting evidence is limited at this time, the clinical significance of this alteration remains unclear.

Fulgent Genetics
Classification: Uncertain significance for Hereditary pancreatitis. Last evaluated: 2022-04-28. Review status: criteria provided, single submitter. Criteria: ACMG Guidelines, 2015. Collection method: clinical testing. Allele origin: unknown.

GeneDx
Classification: Uncertain significance. Last evaluated: 2021-05-04. Review status: criteria provided, single submitter. Criteria: GeneDx Variant Classification Process June 2021. Collection method: clinical testing. Allele origin: germline. Affected: yes.
Comment: Not observed in large population cohorts (Lek et al., 2016); In silico analysis supports that this missense variant has a deleterious effect on protein structure/function; Has not been previously published as pathogenic or benign to our knowledge